The following is an entry in ClinVar:

ClinVar aggregate classification (germline): Benign/Likely benign. Review status: criteria provided, multiple submitters, no conflicts (2 of 4 stars). 2 submissions from 2 submitters: Benign (1); Likely benign (1). Last evaluated 2025-02-16.

Submissions (2):

Laboratory of Genetics, Children's Clinical University Hospital Latvia
Classification: Benign. Last evaluated: 2025-02-16. Review status: criteria provided, single submitter. Criteria: ACMG Guidelines, 2015. Collection method: clinical testing. Allele origin: germline. Affected: yes.

Center for Pediatric Genomic Medicine, Children's Mercy Hospital and Clinics
Classification: Likely benign. Last evaluated: 2015-08-12. Review status: criteria provided, single submitter. Criteria: ACMG Guidelines, 2015. Collection method: clinical testing. Allele origin: germline.
ClinVar note: Converted during submission from Likely Benign to Likely benign.

NC_012920.1(MT-ND4):m.11899T>C

Gene: MT-ND4 (mitochondrially encoded NADH dehydrogenase 4; plus strand).
Variant type: single nucleotide variant.
Genome position: chrM-11899-T-C.
Identifiers: ClinVar variation 235318 (VCV000235318.4), dbSNP rs28718242, ClinGen allele CA10581275.